The following is an entry in ClinVar:

NM_001127464.1:c.11348G>C

Gene: ZNF469 (zinc finger protein 469; plus strand).
Variant type: single nucleotide variant.
Identifiers: ClinVar variation 4845000 (VCV004845000.1).

ClinVar aggregate classification (germline): Uncertain significance (1 of 4 stars; one submission).

Conditions:
Cardiovascular phenotype. Identifiers: MedGen CN230736.

Submission:

Ambry Genetics
Classification: Uncertain significance for Cardiovascular phenotype. Last evaluated: 2026-01-17. Review status: criteria provided, single submitter. Criteria: Ambry Variant Classification Scheme 2023. Collection method: clinical testing. Allele origin: germline.
Comment: The p.G3783A variant (also known as c.11348G>C), located in coding exon 2 of the ZNF469 gene, results from a G to C substitution at nucleotide position 11348. The glycine at codon 3783 is replaced by alanine, an amino acid with similar properties. This amino acid position is conserved. In addition, this alteration is predicted to be tolerated by in silico analysis. Based on the available evidence, the clinical significance of this variant remains unclear.